The following is an entry in ClinVar:

NM_138927.4(SON):c.5671C>T (p.Arg1891Cys)

Gene: SON (SON DNA and RNA binding protein; plus strand). Cytogenetic location: 21q22.11.
Variant type: single nucleotide variant.
Coding change: c.5671C>T on transcript NM_138927.4 (MANE Select); coding-DNA position 5671, C replaced by T.
Protein change: p.Arg1891Cys; replaces arginine 1891 with cysteine.
Molecular consequence: missense variant. On other transcripts: non-coding transcript variant (1), intron variant (1).
Genome position (GRCh38, 1-based): chr21:33,554,902, C>T. VCF-style: chr21-33554902-C-T. GRCh37 (hg19) VCF-style: chr21-34927208-C-T.
Other names: c.5671C>T, p.Arg1891Cys (NM_001291411.2, NM_001412133.1, NM_032195.3 and 2 more transcripts); c.245-2254C>T (NM_001291412.3); short protein forms R1891C.
Identifiers: ClinVar variation 3015689 (VCV003015689.3), dbSNP rs756059870, ClinGen allele CA10009779.
Genomic context (GRCh38, chr21:33,554,902, plus strand): 5'-AGGAGAAGCAGCAGATCAAGATCAAAGTCTAGAGGAAGAAGATCTGTATCAAAAGAGAAG[C>T]GCAAAAGATCTCCAAAGCACAGATCCAAGTCTAGGGAAAGAAAAAGAAAAAGATCAAGCT-3'
Protein context (NP_620305.3, residues 1881-1901): RGRRSVSKEK[Arg1891Cys]KRSPKHRSKS

ClinVar aggregate classification (germline): Uncertain significance (1 of 4 stars; one submission).

Allele frequency attached by ClinVar (database versions not stated): ExAC 0.00001; TOPMed 0.00002; gnomAD exomes 0.00001; gnomAD 0.00003.
gnomAD v4.1: 14 of 1,613,780 alleles (0.00087%); highest among the groups gnomAD compares: Middle Eastern, 0.033%; no homozygotes.

Submission:

Labcorp Genetics (formerly Invitae), Labcorp
Classification: Uncertain significance. Last evaluated: 2025-07-14. Review status: criteria provided, single submitter. Criteria: Invitae Variant Classification Sherloc (09022015). Collection method: clinical testing. Allele origin: germline.
Comment: This sequence change replaces arginine, which is basic and polar, with cysteine, which is neutral and slightly polar, at codon 1891 of the SON protein (p.Arg1891Cys). This variant is present in population databases (rs756059870, gnomAD 0.002%). This variant has not been reported in the literature in individuals affected with SON-related conditions. ClinVar contains an entry for this variant (Variation ID: 3015689). Experimental studies and prediction algorithms are not available or were not evaluated, and the functional significance of this variant is currently unknown. In summary, the available evidence is currently insufficient to determine the role of this variant in disease. Therefore, it has been classified as a Variant of Uncertain Significance.